The following is an entry in ClinVar:

NM_001134831.2(AHI1):c.1239A>T (p.Leu413Phe)

Gene: AHI1 (Abelson helper integration site 1; minus strand). Cytogenetic location: 6q23.3.
Variant type: single nucleotide variant.
Coding change: c.1239A>T on transcript NM_001134831.2 (MANE Select); coding-DNA position 1239, A replaced by T.
Protein change: p.Leu413Phe; replaces leucine 413 with phenylalanine.
Molecular consequence: missense variant.
Genome position (GRCh38, 1-based): chr6:135,455,839, T>A on the plus strand (A>T on the coding strand, the complement: AHI1 is on the minus strand). VCF-style: chr6-135455839-T-A. GRCh37 (hg19) VCF-style: chr6-135776977-T-A.
Other names: c.1239A>T, p.Leu413Phe (NM_001134830.2, NM_001134832.2, NM_001350503.2 and 2 more transcripts); short protein forms L413F.
Identifiers: ClinVar variation 1349854 (VCV001349854.5), dbSNP rs1396631386, ClinGen allele CA365746582.

ClinVar aggregate classification (germline): Uncertain significance (1 of 4 stars; one submission).

Conditions:
Joubert syndrome. Also called: CEREBELLOPARENCHYMAL DISORDER IV; JOUBERT-BOLTSHAUSER SYNDROME; Familial aplasia of the vermis. Identifiers: Orphanet 475, MedGen C5979921, MONDO:0018772.

Allele frequency attached by ClinVar (database versions not stated): gnomAD exomes below 0.00001.
gnomAD v4.1: 2 of 1,600,274 alleles (0.00012%); highest among the groups gnomAD compares: Non-Finnish European, 0.00017%; no homozygotes.

Submission:

Labcorp Genetics (formerly Invitae), Labcorp
Classification: Uncertain significance for Joubert syndrome. Last evaluated: 2021-09-01. Review status: criteria provided, single submitter. Criteria: Invitae Variant Classification Sherloc (09022015). Collection method: clinical testing. Allele origin: germline.
Comment: This sequence change replaces leucine with phenylalanine at codon 413 of the AHI1 protein (p.Leu413Phe). The leucine residue is moderately conserved and there is a small physicochemical difference between leucine and phenylalanine. This variant is not present in population databases (ExAC no frequency). This variant has not been reported in the literature in individuals affected with AHI1-related conditions. Advanced modeling of protein sequence and biophysical properties (such as structural, functional, and spatial information, amino acid conservation, physicochemical variation, residue mobility, and thermodynamic stability) performed at Invitae indicates that this missense variant is not expected to disrupt AHI1 protein function. In summary, the available evidence is currently insufficient to determine the role of this variant in disease. Therefore, it has been classified as a Variant of Uncertain Significance.